The following is an entry in ClinVar:

NM_004168.4(SDHA):c.1438A>T (p.Lys480Ter)

Gene: SDHA (succinate dehydrogenase complex flavoprotein subunit A; plus strand). Cytogenetic location: 5p15.33.
Variant type: single nucleotide variant.
Coding change: c.1438A>T on transcript NM_004168.4 (MANE Select); coding-DNA position 1438, A replaced by T.
Protein change: p.Lys480Ter; replaces lysine 480 with a stop codon.
Molecular consequence: nonsense.
Genome position (GRCh38, 1-based): chr5:240,363, A>T. VCF-style: chr5-240363-A-T. GRCh37 (hg19) VCF-style: chr5-240478-A-T.
Other names: c.1294A>T, p.Lys432Ter (NM_001294332.2); c.1438A>T, p.Lys480Ter (NM_001330758.2); short protein forms K432*, K480*.
Identifiers: ClinVar variation 2954269 (VCV002954269.3), dbSNP rs1579417444, ClinGen allele CA359014167.

ClinVar aggregate classification (germline): Pathogenic (1 of 4 stars; one submission).

Conditions:
Mitochondrial complex II deficiency, nuclear type 1. Also called: SUCCINATE CoQ REDUCTASE DEFICIENCY. Identifiers: Orphanet 3208, MedGen C5700310, MONDO:0100294, OMIM 252011.
Pheochromocytoma/paraganglioma syndrome 5. Also called: Paragangliomas 5; SDHA-Related Hereditary Paraganglioma-Pheochromocytoma Syndrome. Identifiers: Orphanet 29072, MedGen C3279992, MONDO:0013602, OMIM 614165.

Submission:

Labcorp Genetics (formerly Invitae), Labcorp
Classification: Pathogenic for Pheochromocytoma/paraganglioma syndrome 5; Mitochondrial complex II deficiency, nuclear type 1. Last evaluated: 2024-10-30. Review status: criteria provided, single submitter. Criteria: Invitae Variant Classification Sherloc (09022015). Collection method: clinical testing. Allele origin: germline.
Comment: This sequence change creates a premature translational stop signal (p.Lys480*) in the SDHA gene. It is expected to result in an absent or disrupted protein product. Loss-of-function variants in SDHA are known to be pathogenic (PMID: 22974104, 24781757). This variant is not present in population databases (gnomAD no frequency). This variant has not been reported in the literature in individuals affected with SDHA-related conditions. ClinVar contains an entry for this variant (Variation ID: 2954269). For these reasons, this variant has been classified as Pathogenic.

Literature cited by the submitters: PubMed 22974104; PubMed 24781757.